The following is an entry in ClinVar:

NM_013275.6(ANKRD11):c.6496A>G (p.Met2166Val)

Gene: ANKRD11 (ankyrin repeat domain 11; minus strand). Cytogenetic location: 16q24.3.
Variant type: single nucleotide variant.
Coding change: c.6496A>G on transcript NM_013275.6 (MANE Select); coding-DNA position 6496, A replaced by G.
Protein change: p.Met2166Val; replaces methionine 2166 with valine.
Molecular consequence: missense variant.
Genome position (GRCh38, 1-based): chr16:89,280,046, T>C on the plus strand (A>G on the coding strand, the complement: ANKRD11 is on the minus strand). VCF-style: chr16-89280046-T-C. GRCh37 (hg19) VCF-style: chr16-89346454-T-C.
Other names: c.6496A>G, p.Met2166Val (NM_001256182.2, NM_001256183.2); c.6496A>G (NM_013275.4); short protein forms M2166V.
Identifiers: ClinVar variation 2145797 (VCV002145797.5), dbSNP rs149834477, ClinGen allele CA8241425.

ClinVar aggregate classification (germline): Conflicting classifications of pathogenicity. Review status: criteria provided, conflicting classifications (1 of 4 stars). 2 submissions from 2 submitters: Uncertain significance (1); Likely benign (1). Last evaluated 2025-08-20.

Conditions:
KBG syndrome (KBGS). Also called: ANKRD11-Related KBG Syndrome. Identifiers: Orphanet 2332, MedGen C0220687, MONDO:0007846, OMIM 148050.
Inborn genetic diseases. Identifiers: MedGen C0950123, MeSH D030342.

Allele frequency attached by ClinVar (database versions not stated): gnomAD exomes below 0.00001; ExAC 0.00002; gnomAD 0.00006; TOPMed 0.00008; ESP Exome Variant Server 0.00016.
gnomAD v4.1: 11 of 1,612,778 alleles (0.00068%); highest among the groups gnomAD compares: African/African-American, 0.012%; no homozygotes.

Submissions (2):

Ambry Genetics
Classification: Likely benign for Inborn genetic diseases. Last evaluated: 2025-08-20. Review status: criteria provided, single submitter. Criteria: Ambry Variant Classification Scheme 2023. Collection method: clinical testing. Allele origin: germline.

Labcorp Genetics (formerly Invitae), Labcorp
Classification: Uncertain significance for KBG syndrome. Last evaluated: 2024-10-04. Review status: criteria provided, single submitter. Criteria: Invitae Variant Classification Sherloc (09022015). Collection method: clinical testing. Allele origin: germline.
Comment: This sequence change replaces methionine, which is neutral and non-polar, with valine, which is neutral and non-polar, at codon 2166 of the ANKRD11 protein (p.Met2166Val). The frequency data for this variant in the population databases is considered unreliable, as metrics indicate poor data quality at this position in the gnomAD database. This variant has not been reported in the literature in individuals affected with ANKRD11-related conditions. ClinVar contains an entry for this variant (Variation ID: 2145797). Invitae Evidence Modeling of protein sequence and biophysical properties (such as structural, functional, and spatial information, amino acid conservation, physicochemical variation, residue mobility, and thermodynamic stability) indicates that this missense variant is not expected to disrupt ANKRD11 protein function with a negative predictive value of 95%. In summary, the available evidence is currently insufficient to determine the role of this variant in disease. Therefore, it has been classified as a Variant of Uncertain Significance.